The following is an entry in ClinVar:

NM_004006.3(DMD):c.2043A>G (p.Val681=)

Gene: DMD (dystrophin; minus strand). Cytogenetic location: Xp21.1.
Variant type: single nucleotide variant.
Coding change: c.2043A>G on transcript NM_004006.3 (MANE Select); coding-DNA position 2043, A replaced by G.
Protein change: p.Val681=; no amino-acid change (valine 681 retained).
Molecular consequence: synonymous variant.
Genome position (GRCh38, 1-based): chrX:32,545,284, T>C on the plus strand (A>G on the coding strand, the complement: DMD is on the minus strand). VCF-style: chrX-32545284-T-C. GRCh37 (hg19) VCF-style: chrX-32563401-T-C.
Other names: c.2043A>G (NM_004006.2); c.2019A>G, p.Val673= (NM_000109.4); c.2031A>G, p.Val677= (NM_004009.3); c.1674A>G, p.Val558= (NM_004010.3).
Identifiers: ClinVar variation 1355814 (VCV001355814.10), dbSNP rs2048863086, ClinGen allele CA515722560.
Genomic context (GRCh38, chrX:32,545,284, plus strand): 5'-CTCTTGAGCATGCTTTACCAGGATCTGTTCCCTTGTGGTCACCGTAGTTACTGTTTCCAT[T>C]ACAGTTGTCTGTGTTAGTGATGGCTGAGTGGTGGTGACAGCCTGTGAAATCTGTGAGAAG-3'
Protein context (NP_003997.2, residues 671-691): TTQPSLTQTT[Val681=]METVTTVTTR

ClinVar aggregate classification (germline): Likely benign. Review status: criteria provided, multiple submitters, no conflicts (2 of 4 stars). 3 submissions from 3 submitters: Likely benign (2). 1 of the submissions does not count toward it. Last evaluated 2025-05-17.

Conditions:
DMD-related disorder. Also called: DMD-related condition.
Duchenne muscular dystrophy (DMD). Also called: MUSCULAR DYSTROPHY, PSEUDOHYPERTROPHIC PROGRESSIVE, DUCHENNE TYPE; Duchenne Muscular Dystrophy (DMD). Identifiers: Orphanet 98896, MedGen C0013264, MONDO:0010679, OMIM 310200.
Cardiovascular phenotype. Identifiers: MedGen CN230736.

Allele frequency attached by ClinVar (database versions not stated): gnomAD exomes below 0.00001.
gnomAD v4.1: 1 of 1,210,635 alleles (0.000083%); highest among the groups gnomAD compares: African/African-American, 0.0017%; no homozygotes.

Submissions (3):

Labcorp Genetics (formerly Invitae), Labcorp
Classification: Likely benign for Duchenne muscular dystrophy. Last evaluated: 2025-05-17. Review status: criteria provided, single submitter. Criteria: Invitae Variant Classification Sherloc (09022015). Collection method: clinical testing. Allele origin: germline.

Ambry Genetics
Classification: Likely benign for Cardiovascular phenotype. Last evaluated: 2023-12-24. Review status: criteria provided, single submitter. Criteria: Ambry Variant Classification Scheme 2023. Collection method: clinical testing. Allele origin: germline.

PreventionGenetics, part of Exact Sciences
Classification: Likely benign for DMD-related condition. Last evaluated: 2020-02-26. Review status: no assertion criteria provided. Collection method: clinical testing. Allele origin: germline. Not counted in ClinVar's aggregate classification.
Comment: This variant is classified as likely benign based on ACMG/AMP sequence variant interpretation guidelines (Richards et al. 2015 PMID: 25741868, with internal and published modifications).